The following is an entry in ClinVar:

ClinVar aggregate classification (germline): Pathogenic (1 of 4 stars; one submission).

Conditions:
Nephronophthisis. Also called: Juvenile Nephronophthisis. Identifiers: Orphanet 655, MedGen C0687120, MONDO:0019005, HP:0000090.

Allele frequency attached by ClinVar (database versions not stated): gnomAD exomes below 0.00001.
gnomAD v4.1: 4 of 1,595,532 alleles (0.00025%); highest among the groups gnomAD compares: Non-Finnish European, 0.00034%; no homozygotes.

Submission:

Labcorp Genetics (formerly Invitae), Labcorp
Classification: Pathogenic for Nephronophthisis. Last evaluated: 2022-07-19. Review status: criteria provided, single submitter. Criteria: Invitae Variant Classification Sherloc (09022015). Collection method: clinical testing. Allele origin: germline.
Comment: ClinVar contains an entry for this variant (Variation ID: 1458877). For these reasons, this variant has been classified as Pathogenic. Algorithms developed to predict the effect of sequence changes on RNA splicing suggest that this variant may create or strengthen a splice site. This variant has not been reported in the literature in individuals affected with NPHP4-related conditions. This variant is not present in population databases (gnomAD no frequency). This sequence change creates a premature translational stop signal (p.Gln876*) in the NPHP4 gene. It is expected to result in an absent or disrupted protein product. Loss-of-function variants in NPHP4 are known to be pathogenic (PMID: 12205563, 23559409).

Literature cited by the submitters: PubMed 12205563; PubMed 23559409.

NM_015102.5(NPHP4):c.2626C>T (p.Gln876Ter)

Gene: NPHP4 (nephrocystin 4; minus strand). Cytogenetic location: 1p36.31.
Variant type: single nucleotide variant.
Coding change: c.2626C>T on transcript NM_015102.5 (MANE Select); coding-DNA position 2626, C replaced by T.
Protein change: p.Gln876Ter; replaces glutamine 876 with a stop codon.
Molecular consequence: nonsense. On other transcripts: non-coding transcript variant (1).
Genome position (GRCh38, 1-based): chr1:5,877,284, G>A on the plus strand (C>T on the coding strand, the complement: NPHP4 is on the minus strand). VCF-style: chr1-5877284-G-A. GRCh37 (hg19) VCF-style: chr1-5937344-G-A.
Other names: c.1087C>T, p.Gln363Ter (NM_001291593.2); c.1090C>T, p.Gln364Ter (NM_001291594.2); short protein forms Q363*, Q364*, Q876*.
Identifiers: ClinVar variation 1458877 (VCV001458877.6), dbSNP rs2100678099, ClinGen allele CA338057537.